The following is an entry in ClinVar:

ClinVar aggregate classification (germline): Likely benign (1 of 4 stars; one submission).

Allele frequency attached by ClinVar (database versions not stated): gnomAD 0.00001; gnomAD exomes 0.00001; TOPMed 0.00001.
gnomAD v4.1: 13 of 1,609,254 alleles (0.00081%); highest among the groups gnomAD compares: Non-Finnish European, 0.0011%; no homozygotes.

Submission:

GeneDx
Classification: Likely benign. Last evaluated: 2013-05-17. Review status: criteria provided, single submitter. Criteria: GeneDx Variant Classification (06012015). Collection method: clinical testing. Allele origin: germline. Affected: yes.
Comment: This variant is considered likely benign or benign based on one or more of the following criteria: it is a conservative change, it occurs at a poorly conserved position in the protein, it is predicted to be benign by multiple in silico algorithms, and/or has population frequency not consistent with disease.

NM_005262.3(GFER):c.270G>C (p.Lys90Asn)

Gene: GFER (growth factor, augmenter of liver regeneration; plus strand). Cytogenetic location: 16p13.3.
Variant type: single nucleotide variant.
Coding change: c.270G>C on transcript NM_005262.3 (MANE Select); coding-DNA position 270, G replaced by C.
Protein change: p.Lys90Asn; replaces lysine 90 with asparagine.
Molecular consequence: missense variant.
Genome position (GRCh38, 1-based): chr16:1,984,758, G>C. VCF-style: chr16-1984758-G-C. GRCh37 (hg19) VCF-style: chr16-2034759-G-C.
Other names: p.K90N:AAG>AAC; short protein forms K90N.
Identifiers: ClinVar variation 214466 (VCV000214466.1), dbSNP rs863224024, ClinGen allele CA320213.